The following is an entry in ClinVar:

ClinVar aggregate classification (germline): Uncertain significance. Review status: criteria provided, multiple submitters, no conflicts (2 of 4 stars). 2 submissions from 2 submitters: Uncertain significance (2). Last evaluated 2025-10-16.

Conditions:
Inborn genetic diseases. Identifiers: MedGen C0950123, MeSH D030342.

gnomAD v4.1: 17 of 1,614,032 alleles (0.0011%); highest among the groups gnomAD compares: African/African-American, 0.0013%; no homozygotes.

Submissions (2):

Labcorp Genetics (formerly Invitae), Labcorp
Classification: Uncertain significance. Last evaluated: 2025-10-16. Review status: criteria provided, single submitter. Criteria: Invitae Variant Classification Sherloc (09022015). Collection method: clinical testing. Allele origin: germline.
Comment: This sequence change replaces glycine, which is neutral and non-polar, with glutamic acid, which is acidic and polar, at codon 1835 of the KMT2E protein (p.Gly1835Glu). This variant is present in population databases (no rsID available, gnomAD 0.003%). This variant has not been reported in the literature in individuals affected with KMT2E-related conditions. An algorithm developed to predict the effect of missense changes on protein structure and function (PolyPhen-2) suggests that this variant is likely to be disruptive. In summary, the available evidence is currently insufficient to determine the role of this variant in disease. Therefore, it has been classified as a Variant of Uncertain Significance.

Ambry Genetics
Classification: Uncertain significance for Inborn genetic diseases. Last evaluated: 2025-08-11. Review status: criteria provided, single submitter. Criteria: Ambry Variant Classification Scheme 2023. Collection method: clinical testing. Allele origin: germline.

NM_182931.3(KMT2E):c.5504G>A (p.Gly1835Glu)

Gene: KMT2E (lysine methyltransferase 2E (inactive); plus strand). Cytogenetic location: 7q22.3.
Variant type: single nucleotide variant.
Coding change: c.5504G>A on transcript NM_182931.3 (MANE Select); coding-DNA position 5504, G replaced by A.
Protein change: p.Gly1835Glu; replaces glycine 1835 with glutamic acid.
Molecular consequence: missense variant.
Genome position (GRCh38, 1-based): chr7:105,113,260, G>A. VCF-style: chr7-105113260-G-A. GRCh37 (hg19) VCF-style: chr7-104753707-G-A.
Other names: c.5378G>A, p.Gly1793Glu (NM_001410908.1); c.5504G>A, p.Gly1835Glu (NM_018682.4); short protein forms G1793E, G1835E.
Identifiers: ClinVar variation 4094369 (VCV004094369.2).
Genomic context (GRCh38, chr7:105,113,260, plus strand): 5'-CTGGCTCTGTGGCCCTGCCACATGGGGTTCAAGGACCTCAGCAGGCATCTCCAGTGCCTG[G>A]ACAGATTCCAATTCACAGAGCACAGGTGCCACCAACATTTCAAAACAATTACCATGGGTC-3'
Protein context (NP_891847.1, residues 1825-1845): QGPQQASPVP[Gly1835Glu]QIPIHRAQVP